The following is an entry in ClinVar:

ClinVar aggregate classification (germline): Uncertain significance (1 of 4 stars; one submission).

Conditions:
Hereditary cancer-predisposing syndrome. Also called: Tumor predisposition; Hereditary Cancer Syndrome; Hereditary neoplastic syndrome; Neoplastic Syndromes, Hereditary. Identifiers: Orphanet 140162, MedGen C0027672, MeSH D009386, MONDO:0015356.

Submission:

Ambry Genetics
Classification: Uncertain significance for Hereditary cancer-predisposing syndrome. Last evaluated: 2024-06-10. Review status: criteria provided, single submitter. Criteria: Ambry Variant Classification Scheme 2023. Collection method: clinical testing. Allele origin: germline.
Comment: The p.P1578A variant (also known as c.4732C>G), located in coding exon 29 of the ALK gene, results from a C to G substitution at nucleotide position 4732. The proline at codon 1578 is replaced by alanine, an amino acid with highly similar properties. This amino acid position is conserved. In addition, this alteration is predicted to be tolerated by in silico analysis. Based on the available evidence, the clinical significance of this variant remains unclear.

NM_004304.5(ALK):c.4732C>G (p.Pro1578Ala)

Gene: ALK (ALK receptor tyrosine kinase; minus strand). Cytogenetic location: 2p23.2.
Variant type: single nucleotide variant.
Coding change: c.4732C>G on transcript NM_004304.5 (MANE Select); coding-DNA position 4732, C replaced by G.
Protein change: p.Pro1578Ala; replaces proline 1578 with alanine.
Molecular consequence: missense variant.
Genome position (GRCh38, 1-based): chr2:29,193,355, G>C on the plus strand (C>G on the coding strand, the complement: ALK is on the minus strand). VCF-style: chr2-29193355-G-C. GRCh37 (hg19) VCF-style: chr2-29416221-G-C.
Other names: c.1528C>G, p.Pro510Ala (NM_001353765.2); short protein forms P1578A, P510A.
Identifiers: ClinVar variation 3284904 (VCV003284904.1).